The following is an entry in ClinVar:

ClinVar aggregate classification (germline): Uncertain significance (1 of 4 stars; one submission).

Conditions:
Early-infantile DEE. Also called: Ohtahara syndrome; Early infantile epileptic encephalopathy with suppression bursts; Early infantile epileptic encephalopathy. Identifiers: Orphanet 1934, MedGen C0393706, MONDO:0800491.

Submission:

Labcorp Genetics (formerly Invitae), Labcorp
Classification: Uncertain significance for Early-infantile DEE. Last evaluated: 2023-05-23. Review status: criteria provided, single submitter. Criteria: Invitae Variant Classification Sherloc (09022015). Collection method: clinical testing. Allele origin: germline.
Comment: Algorithms developed to predict the effect of sequence changes on RNA splicing suggest that this variant is not likely to affect RNA splicing. Experimental studies and prediction algorithms are not available or were not evaluated, and the functional significance of this variant is currently unknown. ClinVar contains an entry for this variant (Variation ID: 702258). This variant has not been reported in the literature in individuals affected with SCN8A-related conditions. This variant is not present in population databases (gnomAD no frequency). This sequence change replaces leucine, which is neutral and non-polar, with tryptophan, which is neutral and slightly polar, at codon 228 of the SCN8A protein (p.Leu228Trp). The SCN8A gene has multiple clinically relevant transcripts. This variant occurs in alternate transcript NM_001330260.1, and corresponds to NM_014191.3:c.706+224T>G in the primary transcript. In summary, the available evidence is currently insufficient to determine the role of this variant in disease. Therefore, it has been classified as a Variant of Uncertain Significance.

NM_001330260.2(SCN8A):c.683T>G (p.Leu228Trp)

Gene: SCN8A (sodium voltage-gated channel alpha subunit 8; plus strand). Cytogenetic location: 12q13.13.
Variant type: single nucleotide variant.
Coding change: c.683T>G on transcript NM_001330260.2 (MANE Select); coding-DNA position 683, T replaced by G.
Protein change: p.Leu228Trp; replaces leucine 228 with tryptophan.
Molecular consequence: missense variant. On other transcripts: intron variant (2).
Genome position (GRCh38, 1-based): chr12:51,689,073, T>G. VCF-style: chr12-51689073-T-G. GRCh37 (hg19) VCF-style: chr12-52082857-T-G.
Other names: c.683T>G, p.Leu228Trp (NM_001369788.1); c.706+224T>G (NM_014191.4, NM_001177984.3); short protein forms L228W.
Identifiers: ClinVar variation 702258 (VCV000702258.10), dbSNP rs1592380865, ClinGen allele CA385224812.